The following is an entry in ClinVar:

NM_001364905.1(LRBA):c.5645+2T>A

Gene: LRBA (LPS responsive beige-like anchor protein; minus strand). Cytogenetic location: 4q31.3.
Variant type: single nucleotide variant.
Coding change: c.5645+2T>A on transcript NM_001364905.1 (MANE Select); the canonical splice donor site of the intron after coding-DNA position 5645, T replaced by A.
Molecular consequence: splice donor variant.
Genome position (GRCh38, 1-based): chr4:150,761,781, A>T on the plus strand (T>A on the coding strand, the complement: LRBA is on the minus strand). VCF-style: chr4-150761781-A-T. GRCh37 (hg19) VCF-style: chr4-151682933-A-T.
Other names: c.5645+2T>A (NM_001367550.1, NM_006726.5, NM_001199282.3 and 2 more transcripts).
Identifiers: ClinVar variation 661469 (VCV000661469.9), dbSNP rs1181595292, ClinGen allele CA358607851.

ClinVar aggregate classification (germline): Likely pathogenic (1 of 4 stars; one submission).

Conditions:
Combined immunodeficiency due to LRBA deficiency. Also called: Common variable immunodeficiency 8, with autoimmunity. Identifiers: Orphanet 445018, MedGen C3553512, MONDO:0013863, OMIM 614700.

Allele frequency attached by ClinVar (database versions not stated): gnomAD 0.00001; TOPMed 0.00002.
gnomAD v4.1: 1 of 1,524,310 alleles (0.000066%); highest among the groups gnomAD compares: Non-Finnish European, 0.000089%; no homozygotes.

Submission:

Labcorp Genetics (formerly Invitae), Labcorp
Classification: Likely pathogenic for Combined immunodeficiency due to LRBA deficiency. Last evaluated: 2026-01-15. Review status: criteria provided, single submitter. Criteria: Invitae Variant Classification Sherloc (09022015). Collection method: clinical testing. Allele origin: germline.
Comment: This sequence change affects a donor splice site in intron 35 of the LRBA gene. It is expected to disrupt RNA splicing. Variants that disrupt the donor or acceptor splice site typically lead to a loss of protein function (PMID: 16199547), and loss-of-function variants in LRBA are known to be pathogenic (PMID: 26206937, 26768763). This variant is not present in population databases (gnomAD no frequency). This variant has not been reported in the literature in individuals affected with LRBA-related conditions. ClinVar contains an entry for this variant (Variation ID: 661469). Algorithms developed to predict the effect of sequence changes on RNA splicing suggest that this variant may disrupt the consensus splice site. In summary, the currently available evidence indicates that the variant is pathogenic, but additional data are needed to prove that conclusively. Therefore, this variant has been classified as Likely Pathogenic.

Literature cited by the submitters: PubMed 16199547; PubMed 26206937; PubMed 26768763.